The following is an entry in ClinVar:

ClinVar aggregate classification (germline): Pathogenic. Review status: criteria provided, multiple submitters, no conflicts (2 of 4 stars). 2 submissions from 2 submitters: Pathogenic (2). Last evaluated 2026-05-29.

Conditions:
VPS13A-related neurodegenerative disease. Also called: Choreoacanthocytosis; Chorea-acanthocytosis; Choreaacanthocytosis; VPS13A Disease; ACANTHOCYTOSIS WITH NEUROLOGIC DISORDER; LEVINE-CRITCHLEY SYNDROME. Identifiers: Orphanet 2388, MedGen C0393576, MONDO:0008695, OMIM 200150.

Submissions (3):

Myriad Genetics, Inc.
Classification: Pathogenic for VPS13A-related neurodegenerative disease. Last evaluated: 2026-05-29. Review status: criteria provided, single submitter. Criteria: Myriad Autosomal Dominant, Autosomal Recessive and X-Linked Classification Criteria (2023). Collection method: clinical testing. Allele origin: unknown.
Comment: NM_033305.2(VPS13A):c.1162G>T(E388*) is expected to be pathogenic in the context of VPS13A disease. This variant is predicted to lead to an abnormal or absent protein product due to the creation of a premature termination codon in VPS13A, a gene where loss-of-function variants are known to be pathogenic. Please note: this variant was assessed in the context of healthy population screening.

Labcorp Genetics (formerly Invitae), Labcorp
Classification: Pathogenic. Last evaluated: 2021-03-22. Review status: criteria provided, single submitter. Criteria: Invitae Variant Classification Sherloc (09022015). Collection method: clinical testing. Allele origin: germline.
Comment: This variant has not been reported in the literature in individuals with VPS13A-related conditions. For these reasons, this variant has been classified as Pathogenic. Algorithms developed to predict the effect of sequence changes on RNA splicing suggest that this variant may disrupt the consensus splice site, but this prediction has not been confirmed by published transcriptional studies. This sequence change creates a premature translational stop signal (p.Glu388*) in the VPS13A gene. It is expected to result in an absent or disrupted protein product. Loss-of-function variants in VPS13A are known to be pathogenic (PMID: 12404112, 21598378). This variant is not present in population databases (ExAC no frequency).

Dr. Peter K. Rogan Lab, Western University
No classification provided (evidence only). Condition: Ovarian serous cystadenocarcinoma. Review status: no classification provided. Collection method: in vitro. Allele origin: not applicable. Functional consequence: retained intron. Not counted in ClinVar's aggregate classification.

Literature cited by the submitters: PubMed 12404112 (cited by Labcorp Genetics (formerly Invitae), Labcorp); PubMed 21598378 (cited by Labcorp Genetics (formerly Invitae), Labcorp).

NM_033305.3(VPS13A):c.1162G>T (p.Glu388Ter)

Gene: VPS13A (vacuolar protein sorting 13 homolog A; plus strand). Cytogenetic location: 9q21.2.
Variant type: single nucleotide variant.
Coding change: c.1162G>T on transcript NM_033305.3 (MANE Select); coding-DNA position 1162, G replaced by T.
Protein change: p.Glu388Ter; replaces glutamic acid 388 with a stop codon.
Molecular consequence: nonsense.
Genome position (GRCh38, 1-based): chr9:77,225,926, G>T. VCF-style: chr9-77225926-G-T. GRCh37 (hg19) VCF-style: chr9-79840842-G-T.
Other names: c.1162G>T, p.Glu388Ter (NM_001018037.2, NM_001018038.3, NM_015186.4); short protein forms E388*.
Identifiers: ClinVar variation 1402024 (VCV001402024.8), dbSNP rs2131193680, ClinGen allele CA373844482.